The following is an entry in ClinVar:

NM_031483.7(ITCH):c.244C>G (p.Arg82Gly)

Gene: ITCH (itchy E3 ubiquitin protein ligase; plus strand). Cytogenetic location: 20q11.22.
Variant type: single nucleotide variant.
Coding change: c.244C>G on transcript NM_031483.7 (MANE Select); coding-DNA position 244, C replaced by G.
Protein change: p.Arg82Gly; replaces arginine 82 with glycine.
Molecular consequence: missense variant. On other transcripts: 5 prime UTR variant (1).
Genome position (GRCh38, 1-based): chr20:34,412,546, C>G. VCF-style: chr20-34412546-C-G. GRCh37 (hg19) VCF-style: chr20-33000352-C-G.
Other names: c.244C>G, p.Arg82Gly (NM_001257137.3, NM_001324197.2, NM_001324198.2); c.-87C>G (NM_001257138.3); c.244C>G (NM_031483.4); short protein forms R82G.
Identifiers: ClinVar variation 1404469 (VCV001404469.9), dbSNP rs532322331, ClinGen allele CA9821275.

ClinVar aggregate classification (germline): Uncertain significance. Review status: criteria provided, multiple submitters, no conflicts (2 of 4 stars). 2 submissions from 2 submitters: Uncertain significance (2). Last evaluated 2025-01-18.

Conditions:
Inborn genetic diseases. Identifiers: MedGen C0950123, MeSH D030342.
Syndromic multisystem autoimmune disease due to ITCH deficiency. Also called: AUTOIMMUNE DISEASE, MULTISYSTEM, WITH FACIAL DYSMORPHISM. Identifiers: Orphanet 228426, MedGen C3150649, MONDO:0013245, OMIM 613385.

gnomAD v4.1: 4 of 1,600,932 alleles (0.00025%); highest among the groups gnomAD compares: African/African-American, 0.0054%; no homozygotes.

Submissions (2):

Ambry Genetics
Classification: Uncertain significance for Inborn genetic diseases. Last evaluated: 2025-01-18. Review status: criteria provided, single submitter. Criteria: Ambry Variant Classification Scheme 2023. Collection method: clinical testing. Allele origin: germline.

Labcorp Genetics (formerly Invitae), Labcorp
Classification: Uncertain significance for Syndromic multisystem autoimmune disease due to ITCH deficiency. Last evaluated: 2022-07-19. Review status: criteria provided, single submitter. Criteria: Invitae Variant Classification Sherloc (09022015). Collection method: clinical testing. Allele origin: germline.
Comment: In summary, the available evidence is currently insufficient to determine the role of this variant in disease. Therefore, it has been classified as a Variant of Uncertain Significance. Algorithms developed to predict the effect of missense changes on protein structure and function are either unavailable or do not agree on the potential impact of this missense change (SIFT: "Not Available"; PolyPhen-2: "Probably Damaging"; Align-GVGD: "Not Available"). ClinVar contains an entry for this variant (Variation ID: 1404469). This variant has not been reported in the literature in individuals affected with ITCH-related conditions. This variant is present in population databases (rs532322331, gnomAD 0.01%). This sequence change replaces arginine, which is basic and polar, with glycine, which is neutral and non-polar, at codon 82 of the ITCH protein (p.Arg82Gly).